The following is an entry in ClinVar:

NM_001282684.2(KCTD17):c.688G>T (p.Val230Leu)

Gene: KCTD17 (potassium channel tetramerization domain containing 17; plus strand). Cytogenetic location: 22q12.3.
Variant type: single nucleotide variant.
Coding change: c.688G>T on transcript NM_001282684.2 (MANE Select); coding-DNA position 688, G replaced by T.
Protein change: p.Val230Leu; replaces valine 230 with leucine.
Molecular consequence: missense variant. On other transcripts: intron variant (2).
Genome position (GRCh38, 1-based): chr22:37,060,898, G>T. VCF-style: chr22-37060898-G-T. GRCh37 (hg19) VCF-style: chr22-37456938-G-T.
Other names: c.688G>T, p.Val230Leu (NM_024681.4); c.613-641G>T (NM_001282685.2); c.612+1460G>T (NM_001282686.2); short protein forms V237L, V230L.
Identifiers: ClinVar variation 661812 (VCV000661812.8), dbSNP rs1258843342, ClinGen allele CA411415588.

ClinVar aggregate classification (germline): Uncertain significance (1 of 4 stars; one submission).

Conditions:
Myoclonic dystonia 26. Identifiers: MedGen C4225341, MONDO:0014620, OMIM 616398.

Allele frequency attached by ClinVar (database versions not stated): gnomAD exomes below 0.00001 and 0.00001.
gnomAD v4.1: 2 of 1,542,670 alleles (0.00013%); highest among the groups gnomAD compares: South Asian, 0.0024%; no homozygotes.

Submission:

Labcorp Genetics (formerly Invitae), Labcorp
Classification: Uncertain significance for Myoclonic dystonia 26. Last evaluated: 2018-09-20. Review status: criteria provided, single submitter. Criteria: Invitae Variant Classification Sherloc (09022015). Collection method: clinical testing. Allele origin: germline.
Comment: Algorithms developed to predict the effect of missense changes on protein structure and function (SIFT, PolyPhen-2, Align-GVGD) all suggest that this variant is likely to be tolerated, but these predictions have not been confirmed by published functional studies and their clinical significance is uncertain. In summary, the available evidence is currently insufficient to determine the role of this variant in disease. Therefore, it has been classified as a Variant of Uncertain Significance. This variant has not been reported in the literature in individuals with KCTD17-related disease. This variant is not present in population databases (ExAC no frequency). This sequence change replaces valine with leucine at codon 237 of the KCTD17 protein (p.Val237Leu). The valine residue is weakly conserved and there is a small physicochemical difference between valine and leucine.